The following is an entry in ClinVar:

ClinVar aggregate classification (germline): Uncertain significance (1 of 4 stars; one submission).

Conditions:
Epilepsy. Also called: Seizure disorder. Identifiers: MedGen C0014544, MeSH D004827, MONDO:0005027.

Allele frequency attached by ClinVar (database versions not stated): gnomAD 0.00001; gnomAD exomes 0.00001 and below 0.00001; TOPMed below 0.00001; ExAC 0.00001.
gnomAD v4.1: 3 of 1,607,746 alleles (0.00019%); highest among the groups gnomAD compares: East Asian, 0.0045%; no homozygotes.

Submission:

Labcorp Genetics (formerly Invitae), Labcorp
Classification: Uncertain significance for Epilepsy. Last evaluated: 2020-01-02. Review status: criteria provided, single submitter. Criteria: Invitae Variant Classification Sherloc (09022015). Collection method: clinical testing. Allele origin: germline.
Comment: This sequence change replaces threonine with isoleucine at codon 65 of the PIGQ protein (p.Thr65Ile). The threonine residue is weakly conserved and there is a moderate physicochemical difference between threonine and isoleucine. This variant has not been reported in the literature in individuals with PIGQ-related conditions. This variant is present in population databases (rs780499636, ExAC 0.01%). In summary, the available evidence is currently insufficient to determine the role of this variant in disease. Therefore, it has been classified as a Variant of Uncertain Significance. Algorithms developed to predict the effect of missense changes on protein structure and function are either unavailable or do not agree on the potential impact of this missense change (SIFT: "Deleterious"; PolyPhen-2: "Possibly Damaging"; Align-GVGD: "Class C0").

NM_004204.5(PIGQ):c.194C>T (p.Thr65Ile)

Gene: PIGQ (phosphatidylinositol glycan anchor biosynthesis class Q; plus strand). Cytogenetic location: 16p13.3.
Variant type: single nucleotide variant.
Coding change: c.194C>T on transcript NM_004204.5 (MANE Select); coding-DNA position 194, C replaced by T.
Protein change: p.Thr65Ile; replaces threonine 65 with isoleucine.
Molecular consequence: missense variant.
Genome position (GRCh38, 1-based): chr16:574,268, C>T. VCF-style: chr16-574268-C-T. GRCh37 (hg19) VCF-style: chr16-624268-C-T.
Other names: c.194C>T, p.Thr65Ile (NM_148920.4); short protein forms T65I.
Identifiers: ClinVar variation 856227 (VCV000856227.9), dbSNP rs780499636, ClinGen allele CA7779803.
Genomic context (GRCh38, chr16:574,268, plus strand): 5'-TCAAGCAGCTCCTGGCCCAGGTGCGGCAGGCCAGCCAGGTGGGCGTGGCCGTGCTGGGCA[C>T]CTGGTGCCACTGCCGGCAGGAGCCCGAGGAGAGCCTGGGCCGCTTCCTGGAGAGCCTGGG-3'
Protein context (NP_004195.2, residues 55-75): ASQVGVAVLG[Thr65Ile]WCHCRQEPEE